The following is an entry in ClinVar:

ClinVar aggregate classification (germline): Uncertain significance. Review status: criteria provided, multiple submitters, no conflicts (2 of 4 stars). 3 submissions from 3 submitters: Uncertain significance (2). 1 of the submissions does not count toward it. Last evaluated 2025-05-25.

Conditions:
Hereditary cancer-predisposing syndrome. Also called: Hereditary neoplastic syndrome; Tumor predisposition; Neoplastic Syndromes, Hereditary; Hereditary Cancer Syndrome. Identifiers: Orphanet 140162, MedGen C0027672, MeSH D009386, MONDO:0015356.
Bloom syndrome (BLM). Also called: Bloom-Torre-Machacek syndrome. Identifiers: Orphanet 125, MedGen C0005859, MONDO:0008876, OMIM 210900.

Allele frequency attached by ClinVar (database versions not stated): gnomAD exomes below 0.00001.
gnomAD v4.1: 1 of 1,613,938 alleles (0.000062%); highest among the groups gnomAD compares: Non-Finnish European, 0.000085%; no homozygotes.

Submissions (3):

Ambry Genetics
Classification: Uncertain significance for Hereditary cancer-predisposing syndrome. Last evaluated: 2025-05-25. Review status: criteria provided, single submitter. Criteria: Ambry Variant Classification Scheme 2023. Collection method: clinical testing. Allele origin: germline.
Comment: The p.V874M variant (also known as c.2620G>A), located in coding exon 12 of the BLM gene, results from a G to A substitution at nucleotide position 2620. The valine at codon 874 is replaced by methionine, an amino acid with highly similar properties. This amino acid position is highly conserved in available vertebrate species. In addition, this alteration is predicted to be tolerated by in silico analysis. Since supporting evidence is limited at this time, the clinical significance of this alteration remains unclear.

Labcorp Genetics (formerly Invitae), Labcorp
Classification: Uncertain significance for Bloom syndrome. Last evaluated: 2025-05-21. Review status: criteria provided, single submitter. Criteria: Invitae Variant Classification Sherloc (09022015). Collection method: clinical testing. Allele origin: germline.
Comment: This sequence change replaces valine, which is neutral and non-polar, with methionine, which is neutral and non-polar, at codon 874 of the BLM protein (p.Val874Met). This variant is not present in population databases (gnomAD no frequency). This variant has not been reported in the literature in individuals affected with BLM-related conditions. ClinVar contains an entry for this variant (Variation ID: 954407). Invitae Evidence Modeling of protein sequence and biophysical properties (such as structural, functional, and spatial information, amino acid conservation, physicochemical variation, residue mobility, and thermodynamic stability) indicates that this missense variant is not expected to disrupt BLM protein function with a negative predictive value of 80%. In summary, the available evidence is currently insufficient to determine the role of this variant in disease. Therefore, it has been classified as a Variant of Uncertain Significance.

Natera, Inc.
Classification: Uncertain significance for Bloom syndrome. Last evaluated: 2019-09-16. Review status: no assertion criteria provided. Collection method: clinical testing. Allele origin: germline. Not counted in ClinVar's aggregate classification.

NM_000057.4(BLM):c.2620G>A (p.Val874Met)

Gene: BLM (BLM RecQ like helicase; plus strand). Cytogenetic location: 15q26.1.
Variant type: single nucleotide variant.
Coding change: c.2620G>A on transcript NM_000057.4 (MANE Select); coding-DNA position 2620, G replaced by A.
Protein change: p.Val874Met; replaces valine 874 with methionine.
Molecular consequence: missense variant.
Genome position (GRCh38, 1-based): chr15:90,782,886, G>A. VCF-style: chr15-90782886-G-A. GRCh37 (hg19) VCF-style: chr15-91326116-G-A.
Other names: c.2620G>A (NM_000057.2); c.2620G>A, p.Val874Met (NM_001287246.2, NM_001287247.2); c.1495G>A, p.Val499Met (NM_001287248.2); short protein forms V499M, V874M.
Identifiers: ClinVar variation 954407 (VCV000954407.14), dbSNP rs1896652959, ClinGen allele CA393845730.